The following is an entry in ClinVar:

ClinVar aggregate classification (germline): Pathogenic. Review status: criteria provided, single submitter (1 of 4 stars). 2 submissions from 2 submitters: Pathogenic (1). 1 of the submissions does not count toward it. Last evaluated 2022-06-30.

Conditions:
Neonatal intrahepatic cholestasis due to citrin deficiency (CDNI). Also called: Neonatal-onset citrullinemia type II; Neonatal-onset citrullinemia type 2; Neonatal Intrahepatic Cholestasis Caused by Citrin Deficiency (NICCD); CITRIN DEFICIENCY, NEONATAL OR INFANTILE ONSET. Identifiers: Orphanet 247598, MedGen C1853942, MONDO:0011601, OMIM 605814.

Submissions (2):

Genesolutions, Medical Genetics Institutes, Ho Chi Minh City, Vietnam
Classification: Pathogenic for Neonatal intrahepatic cholestasis due to citrin deficiency. Last evaluated: 2022-06-30. Review status: criteria provided, single submitter. Criteria: ACMG Guidelines, 2015. Collection method: clinical testing. Allele origin: germline. Affected: yes.
Comment: The identified variant was described in our publication as IVS16ins3kb (p.A584fs*585), which is located at intron 16 in the SLC25A13 gene and defined as an insertion mutation. There were 19 patients carrying this variant.

Neonatal Disease Screening Center, Medical Genetics Center, Huaihua City Maternal and Child Health Care Hospital
Classification: Pathogenic for Neonatal intrahepatic cholestasis due to citrin deficiency. Review status: no assertion criteria provided. Criteria: ACMG Guidelines, 2015. Collection method: clinical testing. Allele origin: germline. Affected: yes. Observed: 2 variant alleles. Not counted in ClinVar's aggregate classification.
Comment: PVS1+PS4+PM3+PP4

Literature cited by the submitters: PubMed 36599957 (cited by Genesolutions, Medical Genetics Institutes, Ho Chi Minh City, Vietnam).

NM_014251.3(SLC25A13):c.1751-5_1751-4insGATTTCTCCA

Gene: SLC25A13 (solute carrier family 25 member 13; minus strand). Cytogenetic location: 7q21.3.
Variant type: Insertion.
Coding change: c.1751-5_1751-4insGATTTCTCCA on transcript NM_014251.3 (MANE Select); 5 bases into the intron before coding-DNA position 1751 through 4 bases into the intron before coding-DNA position 1751, GATTTCTCCA inserted.
Molecular consequence: intron variant.
Genome position: GRCh38 VCF-style: chr7-96121749-T-TTGGAGAAATC. GRCh37 (hg19) VCF-style: chr7-95751061-T-TTGGAGAAATC.
Other names: c.1754-5_1754-4insGATTTCTCCA (NM_001160210.2).
Identifiers: ClinVar variation 1695400 (VCV001695400.4), dbSNP rs2485541958, ClinGen allele CA2580077914.